The following is an entry in ClinVar:

NM_001130987.2(DYSF):c.1149+1G>A

Gene: DYSF (dysferlin; plus strand). Cytogenetic location: 2p13.2.
Variant type: single nucleotide variant.
Coding change: c.1149+1G>A on transcript NM_001130987.2 (MANE Select); the canonical splice donor site of the intron after coding-DNA position 1149, G replaced by A.
Molecular consequence: splice donor variant.
Genome position (GRCh38, 1-based): chr2:71,520,905, G>A. VCF-style: chr2-71520905-G-A. GRCh37 (hg19) VCF-style: chr2-71748035-G-A.
Other names: c.1146+1G>A (NM_001130979.2, NM_001130981.2, NM_001130980.2); c.1053+1G>A (NM_001130978.2, NM_003494.4, NM_001130977.2 and 1 more transcripts); c.1149+1G>A (NM_001130982.2, NM_001130985.2); c.1056+1G>A (NM_001130983.2, NM_001130455.2, NM_001130984.2 and 1 more transcripts).
Identifiers: ClinVar variation 94262 (VCV000094262.23), dbSNP rs398123763, ClinGen allele CA222120.

ClinVar aggregate classification (germline): Pathogenic. Review status: reviewed by expert panel (3 of 4 stars). 10 submissions from 10 submitters: Pathogenic (1). 9 of the submissions do not count toward it. Last evaluated 2025-04-17.

Conditions:
Miyoshi muscular dystrophy 1 (MMD1). Identifiers: Orphanet 45448, MedGen C4551973, MONDO:0024545, OMIM 254130.
Autosomal recessive limb-girdle muscular dystrophy type 2B (LGMDR2). Also called: MUSCULAR DYSTROPHY, LIMB-GIRDLE, TYPE 3; Limb-girdle muscular dystrophy, type 2B; Limb-Girdle Muscular Dystrophy Type 2B (LGMD2B); MUSCULAR DYSTROPHY, LIMB-GIRDLE, AUTOSOMAL RECESSIVE 2. Identifiers: Orphanet 268, MedGen C1850889, MONDO:0009676, OMIM 253601.
Distal myopathy with anterior tibial onset. Identifiers: Orphanet 178400, MedGen C1847532, MONDO:0011721, OMIM 606768.
Autosomal recessive limb-girdle muscular dystrophy. Identifiers: Orphanet 102015, MedGen C2931907, MONDO:0015152.
Neuromuscular disease caused by qualitative or quantitative defects of dysferlin. Also called: Qualitative or quantitative defects of dysferlin; Dysferlinopathy. Identifiers: Orphanet 207073, MedGen C2931687, MONDO:0016145.

Allele frequency attached by ClinVar (database versions not stated): gnomAD exomes below 0.00001; gnomAD 0.00002; TOPMed 0.00002.
gnomAD v4.1: 6 of 1,613,894 alleles (0.00037%); highest among the groups gnomAD compares: Non-Finnish European, 0.00051%; no homozygotes.

Submissions (10):

ClinGen Limb Girdle Muscular Dystrophy Variant Curation Expert Panel, ClinGen
Classification: Pathogenic for Autosomal recessive limb-girdle muscular dystrophy. Last evaluated: 2025-04-17. Review status: reviewed by expert panel. Criteria: ClinGen LGMD VCEP ACMG Specifications DYSF V1.0.0. Collection method: curation. Allele origin: germline. Inheritance: Autosomal recessive inheritance.
Comment: The NM_003494.4: c.1053+1G>A variant in DYSF, which is also known as NM_001130987.2: c.1149+1G>A, occurs within the canonical splice donor site of intron 11. RNAseq analysis has shown that this variant disrupts splicing, resulting in two different frameshifts and premature truncations, p.Arg313ProfsTer8 and p.His314GlufsTer9, as well as an inframe deletion of 66 amino acids, p.Val286_Pro351del (PMID: 36983702; PVS1_Strong_RNA). This variant has been identified in at least four individuals with LGMD (PMID: 27602406; 24488599; 36983702), including in unknown phase with a pathogenic variant (NM_003494.4: c.610C>T p.(Arg204Ter), 0.5 pts, PMID: 27602406; PM3_Supporting). At least one patient with this variant displayed progressive limb girdle muscle weakness and absent dysferlin protein expression, which is highly specific for DYSF-associated LGMD (PMID: 36983702; PP4_Strong). Another nucleotide change affecting the same splice motif, NM_003494.4: c.1053+5G>A, has also been shown to result in skipping of exon 11 and is classified as pathogenic for autosomal recessive limb girdle muscular dystrophy by the ClinGen LGMD VCEP. The filtering allele frequency of this variant is 0.000006973 in gnomAD v4.1.0 exomes (the upper threshold of the 95% CI of 3/1111878 European (non-Finnish) chromosomes), which is less than the ClinGen LGMD VCEP threshold (≤0.0001) (PM2_Supporting). In summary, this variant meets the criteria to be classified as Pathogenic for autosomal recessive limb girdle muscular dystrophy based on the ACMG/AMP criteria applied, as specified by the ClinGen LGMD VCEP (LGMD VCEP specifications version 1.0.0; 04/17/2025): PVS1_Strong_RNA, PM3_Supporting, PP4_Strong, PM2_Supporting.

GeneDx
Classification: Pathogenic. Last evaluated: 2026-03-11. Review status: criteria provided, single submitter. Criteria: GeneDx Variant Classification Process June 2021. Collection method: clinical testing. Allele origin: germline. Not counted in ClinVar's aggregate classification.
Comment: Not observed at significant frequency in large population cohorts (gnomAD); Canonical splice site variant predicted to result in a null allele in a gene for which loss of function is a known mechanism of disease; This variant is associated with the following publications: (PMID: 17698709, 27602406, 36983702, 30564623, 24488599, 33610434)

Labcorp Genetics (formerly Invitae), Labcorp
Classification: Pathogenic for Neuromuscular disease caused by qualitative or quantitative defects of dysferlin. Last evaluated: 2025-10-05. Review status: criteria provided, single submitter. Criteria: Invitae Variant Classification Sherloc (09022015). Collection method: clinical testing. Allele origin: germline. Not counted in ClinVar's aggregate classification.
Comment: This sequence change affects a donor splice site in intron 11 of the DYSF gene. It is expected to disrupt RNA splicing. Variants that disrupt the donor or acceptor splice site typically lead to a loss of protein function (PMID: 16199547), and loss-of-function variants in DYSF are known to be pathogenic (PMID: 17698709, 20301480). This variant is present in population databases (rs398123763, gnomAD 0.007%). Disruption of this splice site has been observed in individual(s) with clinical features of dysferlinopathy (PMID: 24488599, 33610434). ClinVar contains an entry for this variant (Variation ID: 94262). Algorithms developed to predict the effect of sequence changes on RNA splicing suggest that this variant may disrupt the consensus splice site. For these reasons, this variant has been classified as Pathogenic.

Natera, Inc.
Classification: Pathogenic for Limb-girdle muscular dystrophy type 2B. Last evaluated: 2025-06-12. Review status: criteria provided, single submitter. Criteria: Natera Variant Classification Schema (03/2026). Collection method: clinical testing. Allele origin: germline. Not counted in ClinVar's aggregate classification.
Comment: The c.1053+1G>A variant in DYSF is a canonical splice donor site variant predicted to affect pre-mRNA splicing, which may result in an abnormal transcript and altered protein product. This variant is expected to result in nonsense mediated decay, truncation, or a dysfunctional protein product. This variant is rare in the general population with a frequency below the threshold expected for the associated phenotype(s). This variant has been observed in one or more individuals affected with the associated recessive disease, as either homozygous or compound heterozygous with a second variant (PMID: 35135626). Given the available evidence, this variant is classified as Pathogenic.

Baylor Genetics
Classification: Pathogenic for Miyoshi muscular dystrophy 1. Last evaluated: 2024-03-19. Review status: criteria provided, single submitter. Criteria: ACMG Guidelines, 2015. Collection method: clinical testing. Allele origin: unknown. Not counted in ClinVar's aggregate classification.

Revvity Omics, Revvity
Classification: Pathogenic. Last evaluated: 2024-02-20. Review status: criteria provided, single submitter. Criteria: ACMG Guidelines, 2015. Collection method: clinical testing. Allele origin: germline. Not counted in ClinVar's aggregate classification.

Fulgent Genetics
Classification: Likely pathogenic for Autosomal recessive limb-girdle muscular dystrophy type 2B; Miyoshi muscular dystrophy 1; Distal myopathy with anterior tibial onset. Last evaluated: 2018-10-31. Review status: criteria provided, single submitter. Criteria: ACMG Guidelines, 2015. Collection method: clinical testing. Allele origin: unknown. Not counted in ClinVar's aggregate classification.

Athena Diagnostics
Classification: Pathogenic. Last evaluated: 2018-03-31. Review status: criteria provided, single submitter. Criteria: Athena Diagnostics Criteria. Collection method: clinical testing. Allele origin: germline. Not counted in ClinVar's aggregate classification.

Eurofins Ntd Llc (ga)
Classification: Pathogenic. Last evaluated: 2016-02-23. Review status: criteria provided, single submitter. Criteria: EGL Classification Definitions 2015. Collection method: clinical testing. Allele origin: germline. Observed: 3 variant alleles, 3 heterozygotes. Not counted in ClinVar's aggregate classification.

Counsyl
Classification: Pathogenic for Autosomal recessive limb-girdle muscular dystrophy type 2B. Last evaluated: 2017-06-01. Review status: no assertion criteria provided. Collection method: clinical testing. Allele origin: unknown. Not counted in ClinVar's aggregate classification.

Literature cited by the submitters: PubMed 16199547 (cited by Labcorp Genetics (formerly Invitae), Labcorp); PubMed 17698709 (cited by Labcorp Genetics (formerly Invitae), Labcorp); PubMed 20301480 (cited by Labcorp Genetics (formerly Invitae), Labcorp); PubMed 24488599 (cited by Labcorp Genetics (formerly Invitae), Labcorp and Counsyl); PubMed 33610434 (cited by Labcorp Genetics (formerly Invitae), Labcorp); PubMed 35135626 (cited by Natera, Inc.); PubMed 27602406 (cited by Counsyl).